The following is an entry in ClinVar:

NM_000170.3(GLDC):c.1925C>T (p.Thr642Met)

Gene: GLDC (glycine decarboxylase; minus strand). Cytogenetic location: 9p24.1.
Variant type: single nucleotide variant.
Coding change: c.1925C>T on transcript NM_000170.3 (MANE Select); coding-DNA position 1925, C replaced by T.
Protein change: p.Thr642Met; replaces threonine 642 with methionine.
Molecular consequence: missense variant.
Genome position (GRCh38, 1-based): chr9:6,565,355, G>A on the plus strand (C>T on the coding strand, the complement: GLDC is on the minus strand). VCF-style: chr9-6565355-G-A. GRCh37 (hg19) VCF-style: chr9-6565355-G-A.
Other names: short protein forms T642M.
Identifiers: ClinVar variation 657631 (VCV000657631.10), dbSNP rs141153261, ClinGen allele CA4980483.
Genomic context (GRCh38, chr9:6,565,355, plus strand): 5'-CTGAGAGCCAGGACCTCTGTGCCCCATGGTGAGCAAGCGCCACCTCCTGCCATACTCACC[G>A]TTCTGTGCCCCTCTCCTTTCTGGTTTAAGTAGGCTCGGATAGTGGCCAGTCCAGCATATT-3'
Protein context (NP_000161.2, residues 632-652): YLNQKGEGHR[Thr642Met]VCLIPKSAHG

ClinVar aggregate classification (germline): Uncertain significance. Review status: criteria provided, multiple submitters, no conflicts (2 of 4 stars). 5 submissions from 5 submitters: Uncertain significance (4). 1 of the submissions does not count toward it. Last evaluated 2024-09-16.

Conditions:
Glycine encephalopathy. Also called: Nonketotic hyperglycinemia; Non-ketotic hyperglycinemia. Identifiers: Orphanet 407, MedGen C0751748, MONDO:0011612, HP:0008288.

Allele frequency attached by ClinVar (database versions not stated): ExAC 0.00002; TOPMed 0.00002; gnomAD exomes 0.00003.
gnomAD v4.1: 38 of 1,610,464 alleles (0.0024%); highest among the groups gnomAD compares: East Asian, 0.0045%; no homozygotes.

Submissions (5):

GeneDx
Classification: Uncertain significance. Last evaluated: 2024-09-16. Review status: criteria provided, single submitter. Criteria: GeneDx Variant Classification Process June 2021. Collection method: clinical testing. Allele origin: germline. Affected: yes.
Comment: Not observed at significant frequency in large population cohorts (gnomAD); In silico analysis indicates that this missense variant does not alter protein structure/function; Has not been previously published as pathogenic or benign in association with neurodevelopmental disorders to our knowledge; This variant is associated with the following publications: (PMID: 27325422)

Blueprint Genetics
Classification: Uncertain significance. Last evaluated: 2024-08-20. Review status: criteria provided, single submitter. Criteria: ACMG Guidelines, 2015. Collection method: clinical testing. Allele origin: germline.

Labcorp Genetics (formerly Invitae), Labcorp
Classification: Uncertain significance for Glycine encephalopathy. Last evaluated: 2022-07-16. Review status: criteria provided, single submitter. Criteria: Invitae Variant Classification Sherloc (09022015). Collection method: clinical testing. Allele origin: germline.
Comment: This sequence change replaces threonine, which is neutral and polar, with methionine, which is neutral and non-polar, at codon 642 of the GLDC protein (p.Thr642Met). This variant is present in population databases (rs141153261, gnomAD 0.01%). This variant has not been reported in the literature in individuals affected with GLDC-related conditions. ClinVar contains an entry for this variant (Variation ID: 657631). Algorithms developed to predict the effect of missense changes on protein structure and function are either unavailable or do not agree on the potential impact of this missense change (SIFT: "Deleterious"; PolyPhen-2: "Benign"; Align-GVGD: "Class C0"). In summary, the available evidence is currently insufficient to determine the role of this variant in disease. Therefore, it has been classified as a Variant of Uncertain Significance.

Illumina Laboratory Services, Illumina
Classification: Uncertain significance for Glycine encephalopathy 1. Last evaluated: 2018-01-12. Review status: criteria provided, single submitter. Criteria: ICSL Variant Classification Criteria 13 December 2019. Collection method: clinical testing. Allele origin: germline.

Natera, Inc.
Classification: Uncertain significance for Non-ketotic hyperglycinemia. Last evaluated: 2020-09-16. Review status: no assertion criteria provided. Collection method: clinical testing. Allele origin: germline. Not counted in ClinVar's aggregate classification.